The following is an entry in ClinVar:

ClinVar aggregate classification (germline): Uncertain significance. Review status: criteria provided, multiple submitters, no conflicts (2 of 4 stars). 2 submissions from 2 submitters: Uncertain significance (2). Last evaluated 2024-07-09.

Conditions:
Familial cancer of breast. Also called: hereditary breast carcinoma; Hereditary breast cancer; BREAST CANCER, FAMILIAL. Identifiers: Orphanet 227535, MedGen C0346153, MONDO:0016419, OMIM 114480. Disease mechanism: loss of function.
Hereditary cancer-predisposing syndrome. Also called: Tumor predisposition; Hereditary neoplastic syndrome; Neoplastic Syndromes, Hereditary; Hereditary Cancer Syndrome. Identifiers: Orphanet 140162, MedGen C0027672, MeSH D009386, MONDO:0015356.

Submissions (2):

Labcorp Genetics (formerly Invitae), Labcorp
Classification: Uncertain significance for Familial cancer of breast. Last evaluated: 2024-07-09. Review status: criteria provided, single submitter. Criteria: Invitae Variant Classification Sherloc (09022015). Collection method: clinical testing. Allele origin: germline.
Comment: This sequence change replaces proline, which is neutral and non-polar, with leucine, which is neutral and non-polar, at codon 426 of the CHEK2 protein (p.Pro426Leu). This variant is not present in population databases (gnomAD no frequency). This variant has not been reported in the literature in individuals affected with CHEK2-related conditions. ClinVar contains an entry for this variant (Variation ID: 862184). An algorithm developed to predict the effect of missense changes on protein structure and function (PolyPhen-2) suggests that this variant is likely to be disruptive. Algorithms developed to predict the effect of sequence changes on RNA splicing suggest that this variant may disrupt the consensus splice site. In summary, the available evidence is currently insufficient to determine the role of this variant in disease. Therefore, it has been classified as a Variant of Uncertain Significance.

Ambry Genetics
Classification: Uncertain significance for Hereditary cancer-predisposing syndrome. Last evaluated: 2023-08-30. Review status: criteria provided, single submitter. Criteria: Ambry Variant Classification Scheme 2023. Collection method: clinical testing. Allele origin: germline.
Comment: The p.P426L variant (also known as c.1277C>T), located in coding exon 11 of the CHEK2 gene, results from a C to T substitution at nucleotide position 1277. The proline at codon 426 is replaced by leucine, an amino acid with similar properties. This alteration was reported as functionally impaired in a study assessing CHEK2-complementation through quantification of KAP1 phosphorylation and CHK2 autophosphorylation in human RPE1-CHEK2-knockout cells (Stolarova L et al. Clin Cancer Res, 2023 Aug;29:3037-3050). This amino acid position is highly conserved in available vertebrate species. In addition, this alteration is predicted to be deleterious by in silico analysis. Since supporting evidence is limited at this time, the clinical significance of this alteration remains unclear.

Literature cited by the submitters: PubMed 37449874 (cited by Ambry Genetics).

NM_007194.4(CHEK2):c.1277C>T (p.Pro426Leu)

Gene: CHEK2 (checkpoint kinase 2; minus strand). Cytogenetic location: 22q12.1.
Variant type: single nucleotide variant.
Coding change: c.1277C>T on transcript NM_007194.4 (MANE Select); coding-DNA position 1277, C replaced by T.
Protein change: p.Pro426Leu; replaces proline 426 with leucine.
Molecular consequence: missense variant.
Genome position (GRCh38, 1-based): chr22:28,695,225, G>A on the plus strand (C>T on the coding strand, the complement: CHEK2 is on the minus strand). VCF-style: chr22-28695225-G-A. GRCh37 (hg19) VCF-style: chr22-29091213-G-A.
Other names: c.1406C>T, p.Pro469Leu (NM_001005735.3); c.614C>T, p.Pro205Leu (NM_001257387.3); c.1076C>T, p.Pro359Leu (NM_001349956.3); c.1190C>T, p.Pro397Leu (NM_145862.3); short protein forms P397L, P469L, P205L, P359L, P426L.
Identifiers: ClinVar variation 862184 (VCV000862184.11), dbSNP rs769933461, ClinGen allele CA411096266.